The following is an entry in ClinVar:

NC_000001.10:g.(?_11078770)_(11217368_?)dup

Genes: EXOSC10 (exosome component 10; minus strand), MASP2 (MBL associated serine protease 2; minus strand), MTOR (mechanistic target of rapamycin kinase; minus strand), SRM (spermidine synthase; minus strand), TARDBP (TAR DNA binding protein; plus strand). Cytogenetic location: 1p36.22.
Variant type: Duplication.
Identifiers: ClinVar variation 3247967 (VCV003247967.1).

ClinVar aggregate classification (germline): Uncertain significance (1 of 4 stars; one submission).

Submission:

Labcorp Genetics (formerly Invitae), Labcorp
Classification: Uncertain significance. Last evaluated: 2023-08-03. Review status: criteria provided, single submitter. Criteria: Invitae Variant Classification Sherloc (09022015). Collection method: clinical testing. Allele origin: unknown.
Comment: In summary, the available evidence is currently insufficient to determine the role of this variant in disease. Therefore, it has been classified as a Variant of Uncertain Significance. This variant has not been reported in the literature in individuals affected with MTOR-related conditions. This variant results in a copy number gain of the genomic region encompassing exon(s) 30-58 of the MTOR gene. This region includes the termination codon of the gene. This copy number gain extends beyond the assayed region for this gene and therefore may encompass additional genes. As the precise location of this event is unknown, it may be in tandem or it may be located elsewhere in the genome.